The following is an entry in ClinVar:

ClinVar aggregate classification (germline): Uncertain significance (1 of 4 stars; one submission).

Allele frequency attached by ClinVar (database versions not stated): gnomAD exomes below 0.00001; TOPMed below 0.00001.
gnomAD v4.1: 2 of 1,614,038 alleles (0.00012%); highest among the groups gnomAD compares: Admixed American, 0.0033%; no homozygotes.

Submission:

Labcorp Genetics (formerly Invitae), Labcorp
Classification: Uncertain significance. Last evaluated: 2022-08-16. Review status: criteria provided, single submitter. Criteria: Invitae Variant Classification Sherloc (09022015). Collection method: clinical testing. Allele origin: germline.
Comment: In summary, the available evidence is currently insufficient to determine the role of this variant in disease. Therefore, it has been classified as a Variant of Uncertain Significance. Algorithms developed to predict the effect of missense changes on protein structure and function (SIFT, PolyPhen-2, Align-GVGD) all suggest that this variant is likely to be disruptive. ClinVar contains an entry for this variant (Variation ID: 1423899). This variant has not been reported in the literature in individuals affected with AK7-related conditions. This variant is not present in population databases (gnomAD no frequency). This sequence change replaces glutamic acid, which is acidic and polar, with glycine, which is neutral and non-polar, at codon 576 of the AK7 protein (p.Glu576Gly).

NM_152327.5(AK7):c.1727A>G (p.Glu576Gly)

Gene: AK7 (adenylate kinase 7; plus strand). Cytogenetic location: 14q32.2.
Variant type: single nucleotide variant.
Coding change: c.1727A>G on transcript NM_152327.5 (MANE Select); coding-DNA position 1727, A replaced by G.
Protein change: p.Glu576Gly; replaces glutamic acid 576 with glycine.
Molecular consequence: missense variant.
Genome position (GRCh38, 1-based): chr14:96,478,636, A>G. VCF-style: chr14-96478636-A-G. GRCh37 (hg19) VCF-style: chr14-96944973-A-G.
Other names: c.1658A>G, p.Glu553Gly (NM_001350888.2, NM_001350890.2); c.1649A>G, p.Glu550Gly (NM_001350891.2); c.1529A>G, p.Glu510Gly (NM_001350892.2); short protein forms E550G, E510G, E553G, E576G.
Identifiers: ClinVar variation 1423899 (VCV001423899.7), dbSNP rs755644130, ClinGen allele CA390923204.